The following is an entry in ClinVar:

ClinVar aggregate classification (germline): Uncertain significance (1 of 4 stars; one submission).

Conditions:
Inborn genetic diseases. Identifiers: MedGen C0950123, MeSH D030342.

Submission:

Ambry Genetics
Classification: Uncertain significance for Inborn genetic diseases. Last evaluated: 2025-04-14. Review status: criteria provided, single submitter. Criteria: Ambry Variant Classification Scheme 2023. Collection method: clinical testing. Allele origin: germline.
Comment: The p.R74L variant (also known as c.221G>T), located in coding exon 1 of the WT1 gene, results from a G to T substitution at nucleotide position 221. The arginine at codon 74 is replaced by leucine, an amino acid with dissimilar properties. This amino acid position is conserved. In addition, the in silico prediction for this alteration is inconclusive. Based on the available evidence, the clinical significance of this variant remains unclear.

NM_024426.6(WT1):c.236G>T (p.Arg79Leu)

Genes: WT1 (WT1 transcription factor; minus strand), LOC107982234 (WT1/WT1-AS bi-directional promoter region; plus strand). Cytogenetic location: 11p13.
Variant type: single nucleotide variant.
Coding change: c.236G>T on transcript NM_024426.6 (MANE Select); coding-DNA position 236, G replaced by T.
Protein change: p.Arg79Leu; replaces arginine 79 with leucine.
Molecular consequence: missense variant. On other transcripts: non-coding transcript variant (2).
Genome position (GRCh38, 1-based): chr11:32,435,125, C>A on the plus strand (G>T on the coding strand, the complement: WT1 is on the minus strand). VCF-style: chr11-32435125-C-A. GRCh37 (hg19) VCF-style: chr11-32456671-C-A.
Other names: c.236G>T, p.Arg79Leu (NM_000378.6, NM_001407044.1, NM_001407045.1 and 6 more transcripts); c.17G>T, p.Arg6Leu (NM_001429031.1, NM_001429032.1, NM_001429033.1 and 1 more transcripts); short protein forms R79L, R74L, R6L.
Identifiers: ClinVar variation 3982449 (VCV003982449.1).